The following is an entry in ClinVar:

NM_000245.4(MET):c.2265-10G>C

Gene: MET (MET proto-oncogene, receptor tyrosine kinase; plus strand). Cytogenetic location: 7q31.2.
Variant type: single nucleotide variant.
Coding change: c.2265-10G>C on transcript NM_000245.4 (MANE Select); 10 bases into the intron before coding-DNA position 2265, G replaced by C.
Molecular consequence: intron variant. On other transcripts: missense variant (1).
Genome position (GRCh38, 1-based): chr7:116,759,381, G>C. VCF-style: chr7-116759381-G-C. GRCh37 (hg19) VCF-style: chr7-116399435-G-C.
Other names: c.2309G>C, p.Cys770Ser (NM_001127500.3); c.975-10G>C (NM_001324402.2); c.2265-10G>C (NM_001324401.3); short protein forms C770S.
Identifiers: ClinVar variation 3640117 (VCV003640117.2).
Genomic context (GRCh38, chr7:116,759,381, plus strand): 5'-AATCCCTCTCTTACAGTACTTGGTGGAAAGAACCTCTCAACATTGTCAGTTTTCTATTTT[G>C]CTTTGCCAGTGGTGGGAGCACAATAACAGGTGTTGGGAAAAACCTGAATTCAGTTAGTGT-3'

ClinVar aggregate classification (germline): Uncertain significance (1 of 4 stars; one submission).

Conditions:
Renal cell carcinoma. Identifiers: Orphanet 217071, MedGen C0007134, MeSH D002292, MONDO:0005086, HP:0005584.

Submission:

Labcorp Genetics (formerly Invitae), Labcorp
Classification: Uncertain significance for Renal cell carcinoma. Last evaluated: 2024-02-11. Review status: criteria provided, single submitter. Criteria: Invitae Variant Classification Sherloc (09022015). Collection method: clinical testing. Allele origin: germline.
Comment: This sequence change replaces cysteine, which is neutral and slightly polar, with serine, which is neutral and polar, at codon 770 of the MET protein (p.Cys770Ser). This variant is not present in population databases (gnomAD no frequency). This variant has not been reported in the literature in individuals affected with MET-related conditions. Algorithms developed to predict the effect of missense changes on protein structure and function output the following: SIFT: "Not Available"; PolyPhen-2: "Benign"; Align-GVGD: "Not Available". The serine amino acid residue is found in multiple mammalian species, which suggests that this missense change does not adversely affect protein function. In summary, the available evidence is currently insufficient to determine the role of this variant in disease. Therefore, it has been classified as a Variant of Uncertain Significance.